The following is an entry in ClinVar:

ClinVar aggregate classification (germline): Conflicting classifications of pathogenicity. Review status: criteria provided, conflicting classifications (1 of 4 stars). 7 submissions from 7 submitters: Uncertain significance (6); Likely benign (1). Last evaluated 2025-11-18.

Conditions:
RECQL-related disorder. Also called: RECQL-related condition.
Hereditary cancer-predisposing syndrome. Also called: Neoplastic Syndromes, Hereditary; Tumor predisposition; Hereditary Cancer Syndrome; Hereditary neoplastic syndrome. Identifiers: Orphanet 140162, MedGen C0027672, MeSH D009386, MONDO:0015356.

Allele frequency attached by ClinVar (database versions not stated): gnomAD exomes 0.00003 and 0.00008; ExAC 0.00009; 1000 Genomes Project 30x 0.00016; 1000 Genomes Project 0.00020; gnomAD 0.00033 and 0.00037; TOPMed 0.00045; ESP Exome Variant Server 0.00062.
gnomAD v4.1: 101 of 1,613,630 alleles (0.0063%); highest among the groups gnomAD compares: African/African-American, 0.13%; no homozygotes.

Submissions (7):

Labcorp Genetics (formerly Invitae), Labcorp
Classification: Uncertain significance. Last evaluated: 2025-11-18. Review status: criteria provided, single submitter. Criteria: Invitae Variant Classification Sherloc (09022015). Collection method: clinical testing. Allele origin: germline.
Comment: This sequence change replaces cysteine, which is neutral and slightly polar, with tyrosine, which is neutral and polar, at codon 270 of the RECQL protein (p.Cys270Tyr). This variant is present in population databases (rs149763880, gnomAD 0.1%), and has an allele count higher than expected for a pathogenic variant. This missense change has been observed in individual(s) with breast cancer (PMID: 35264596). ClinVar contains an entry for this variant (Variation ID: 584812). Invitae Evidence Modeling of protein sequence and biophysical properties (such as structural, functional, and spatial information, amino acid conservation, physicochemical variation, residue mobility, and thermodynamic stability) indicates that this missense variant is not expected to disrupt RECQL protein function with a negative predictive value of 80%. In summary, the available evidence is currently insufficient to determine the role of this variant in disease. Therefore, it has been classified as a Variant of Uncertain Significance.

PreventionGenetics, part of Exact Sciences
Classification: Uncertain significance for RECQL-related condition. Last evaluated: 2025-08-06. Review status: criteria provided, single submitter. Criteria: ACMG Guidelines, 2015. Collection method: clinical testing. Allele origin: germline.
Comment: The RECQL c.809G>A variant is predicted to result in the amino acid substitution p.Cys270Tyr. This variant was identified as a variant of uncertain significance in an individual with breast cancer (Table S3, Guindalini et al. 2022. PubMed ID: 35264596). This variant is reported in 0.096% of alleles in individuals of African descent in gnomAD and has conflicting interpretations in ClinVar ranging from uncertain to likely benign (Variation ID: 584812). Although we suspect that this variant may be benign, at this time, the clinical significance of this variant is uncertain due to the absence of conclusive functional and genetic evidence.

GeneDx
Classification: Uncertain significance. Last evaluated: 2025-05-28. Review status: criteria provided, single submitter. Criteria: GeneDx Variant Classification Process June 2021. Collection method: clinical testing. Allele origin: germline. Affected: yes.
Comment: Observed in an individual with breast cancer (PMID: 35264596); In silico analysis suggests that this missense variant does not alter protein structure/function; Variants in candidate genes are classified as variants of uncertain significance in accordance with ACMG guidelines (PMID: 25741868); This variant is associated with the following publications: (PMID: 15824023, 26455304, 19151156, 27248010, 35264596)

Quest Diagnostics Nichols Institute San Juan Capistrano
Classification: Uncertain significance. Last evaluated: 2024-04-24. Review status: criteria provided, single submitter. Criteria: Quest Diagnostics criteria. Collection method: clinical testing. Allele origin: unknown.
Comment: The RECQL c.809G>A (p.Cys270Tyr) variant has been reported in the published literature in an individual with breast cancer (PMID: 35264596 (2022)) and in a cohort of individuals with a myeloid malignancy (PMID: 31911633 (2020)). The frequency of this variant in the general population, 0.00096 (24/24926 chromosomes in African/African American subpopulation (Genome Aggregation Database)), is higher than would generally be expected for pathogenic variants in this gene. Analysis of this variant using bioinformatics tools for the prediction of the effect of amino acid changes on protein structure and function yielded predictions that this variant is benign. Based on the available information, we are unable to determine the clinical significance of this variant.

Ambry Genetics
Classification: Likely benign. Last evaluated: 2020-09-15. Review status: criteria provided, single submitter. Criteria: Ambry Variant Classification Scheme 2023. Collection method: clinical testing. Allele origin: germline.

Mendelics
Classification: Uncertain significance for Hereditary cancer-predisposing syndrome. Last evaluated: 2018-07-02. Review status: criteria provided, single submitter. Criteria: Mendelics Assertion Criteria 2017. Collection method: clinical testing. Allele origin: unknown.

Breakthrough Genomics
Classification: Uncertain significance. Review status: criteria provided, single submitter. Criteria: ACMG Guidelines, 2015. Collection method: not provided. Allele origin: germline. Inheritance: Unknown mechanism. Affected: yes.

Literature cited by the submitters: PubMed 35264596 (cited by Labcorp Genetics (formerly Invitae), Labcorp and Quest Diagnostics Nichols Institute San Juan Capistrano); PubMed 26455304 (cited by Quest Diagnostics Nichols Institute San Juan Capistrano); PubMed 31911633 (cited by Quest Diagnostics Nichols Institute San Juan Capistrano).

NM_002907.4(RECQL):c.809G>A (p.Cys270Tyr)

Gene: RECQL (RecQ like helicase; minus strand). Cytogenetic location: 12p12.1.
Variant type: single nucleotide variant.
Coding change: c.809G>A on transcript NM_002907.4 (MANE Select); coding-DNA position 809, G replaced by A.
Protein change: p.Cys270Tyr; replaces cysteine 270 with tyrosine.
Molecular consequence: missense variant.
Genome position (GRCh38, 1-based): chr12:21,477,861, C>T on the plus strand (G>A on the coding strand, the complement: RECQL is on the minus strand). VCF-style: chr12-21477861-C-T. GRCh37 (hg19) VCF-style: chr12-21630795-C-T.
Other names: c.809G>A, p.Cys270Tyr (NM_032941.3); short protein forms C270Y.
Identifiers: ClinVar variation 584812 (VCV000584812.28), dbSNP rs149763880, ClinGen allele CA6478970.